The following is an entry in ClinVar:

NM_001458.5(FLNC):c.6244A>C (p.Ser2082Arg)

Genes: FLNC (filamin C; plus strand), FLNC-AS1 (FLNC antisense RNA 1; minus strand). Cytogenetic location: 7q32.1.
Variant type: single nucleotide variant.
Coding change: c.6244A>C on transcript NM_001458.5 (MANE Select); coding-DNA position 6244, A replaced by C.
Protein change: p.Ser2082Arg; replaces serine 2082 with arginine.
Molecular consequence: missense variant.
Genome position (GRCh38, 1-based): chr7:128,853,504, A>C. VCF-style: chr7-128853504-A-C. GRCh37 (hg19) VCF-style: chr7-128493558-A-C.
Other names: c.6145A>C, p.Ser2049Arg (NM_001127487.2); short protein forms S2049R, S2082R.
Identifiers: ClinVar variation 1511984 (VCV001511984.8), dbSNP rs2128939089, ClinGen allele CA369211888.

ClinVar aggregate classification (germline): Uncertain significance (1 of 4 stars; one submission).

Conditions:
Myofibrillar myopathy 5. Also called: Filaminopathy (type); FILAMINOPATHY, AUTOSOMAL DOMINANT. Identifiers: Orphanet 171445, MedGen C1836050, MONDO:0012289, OMIM 609524.
Distal myopathy with posterior leg and anterior hand involvement. Also called: WILLIAMS DISTAL MYOPATHY. Identifiers: Orphanet 63273, MedGen C3279722, MONDO:0013550, OMIM 614065.
Hypertrophic cardiomyopathy 26. Also called: Cardiomyopathy, familial hypertrophic, 26. Identifiers: Orphanet 75249, MedGen C4310749, MONDO:0014883, OMIM 617047.

Submission:

Labcorp Genetics (formerly Invitae), Labcorp
Classification: Uncertain significance for Distal myopathy with posterior leg and anterior hand involvement; Myofibrillar myopathy 5; Hypertrophic cardiomyopathy 26. Last evaluated: 2022-11-15. Review status: criteria provided, single submitter. Criteria: Invitae Variant Classification Sherloc (09022015). Collection method: clinical testing. Allele origin: germline.
Comment: Advanced modeling of protein sequence and biophysical properties (such as structural, functional, and spatial information, amino acid conservation, physicochemical variation, residue mobility, and thermodynamic stability) has been performed at Invitae for this missense variant, however the output from this modeling did not meet the statistical confidence thresholds required to predict the impact of this variant on FLNC protein function. In summary, the available evidence is currently insufficient to determine the role of this variant in disease. Therefore, it has been classified as a Variant of Uncertain Significance. ClinVar contains an entry for this variant (Variation ID: 1511984). This variant has not been reported in the literature in individuals affected with FLNC-related conditions. This variant is not present in population databases (gnomAD no frequency). This sequence change replaces serine, which is neutral and polar, with arginine, which is basic and polar, at codon 2082 of the FLNC protein (p.Ser2082Arg).